The following is an entry in ClinVar:

NM_001267550.2(TTN):c.6227A>G (p.Glu2076Gly)

Gene: TTN (titin; minus strand). Cytogenetic location: 2q31.2.
Variant type: single nucleotide variant.
Coding change: c.6227A>G on transcript NM_001267550.2 (MANE Select); coding-DNA position 6227, A replaced by G.
Protein change: p.Glu2076Gly; replaces glutamic acid 2076 with glycine.
Molecular consequence: missense variant.
Genome position (GRCh38, 1-based): chr2:178,775,637, T>C on the plus strand (A>G on the coding strand, the complement: TTN is on the minus strand). VCF-style: chr2-178775637-T-C. GRCh37 (hg19) VCF-style: chr2-179640364-T-C.
Other names: c.6227A>G, p.Glu2076Gly (NM_133378.4, NM_001256850.1, NM_133379.5); c.6089A>G, p.Glu2030Gly (NM_003319.4, NM_133432.3, NM_133437.4); short protein forms E2076G, E2030G.
Identifiers: ClinVar variation 47280 (VCV000047280.6), dbSNP rs397517680, ClinGen allele CA140552.
Genomic context (GRCh38, chr2:178,775,637, plus strand): 5'-TGTGCATCAGATCCTTGGCCCACTGTTTGGCTCTGGATTCTTTCGAAGATTTTTGGAGCC[T>C]CCATACTAGGACTTAGTTCAATCTTGTCAGGTTTAAAAGTTGGAATCGTGATTTTGCCTT-3'
Protein context (NP_001254479.2, residues 2066-2086): PDKIELSPSM[Glu2076Gly]APKIFERIQS

ClinVar aggregate classification (germline): Uncertain significance. Review status: criteria provided, multiple submitters, no conflicts (2 of 4 stars). 2 submissions from 2 submitters: Uncertain significance (2). Last evaluated 2023-04-28.

Allele frequency attached by ClinVar (database versions not stated): gnomAD exomes below 0.00001.
gnomAD v4.1: 2 of 1,614,106 alleles (0.00012%); highest among the groups gnomAD compares: Middle Eastern, 0.016%; no homozygotes.

Submissions (2):

Mayo Clinic Laboratories, Mayo Clinic
Classification: Uncertain significance. Last evaluated: 2023-04-28. Review status: criteria provided, single submitter. Criteria: ACMG Guidelines, 2015. Collection method: clinical testing. Allele origin: germline. Observed: 1 variant allele.

Laboratory for Molecular Medicine, Mass General Brigham Personalized Medicine
Classification: Uncertain significance. Last evaluated: 2012-02-07. Review status: criteria provided, single submitter. Criteria: LMM Criteria. Collection method: clinical testing. Allele origin: germline. Observed: 1 variant allele.
Comment: The Glu2076Gly variant (TTN) has not been reported in the literature nor previou sly identified by our laboratory. Computational analyses (biochemical amino acid properties, conservation, PolyPhen2, SIFT) suggest that this variant may impact the protein. However, this information is not predictive enough to determine pa thogenicity. Additional studies are needed to fully assess the clinical signific ance of this variant.